The following is an entry in ClinVar:

ClinVar aggregate classification (germline): Uncertain significance. Review status: criteria provided, multiple submitters, no conflicts (2 of 4 stars). 2 submissions from 2 submitters: Uncertain significance (2). Last evaluated 2022-10-24.

Conditions:
Fructose-biphosphatase deficiency (FBP1D). Also called: Fructose 1,6 Bisphosphatase Deficiency; Fructose-1,6-Bisphosphatase 1 Deficiency; Fructose-1,6-Diphosphatase Deficiency. Identifiers: Orphanet 348, MedGen C0016756, MONDO:0009251, OMIM 229700.

Allele frequency attached by ClinVar (database versions not stated): ExAC 0.00002; gnomAD exomes 0.00009; gnomAD 0.00004 and 0.00005; TOPMed 0.00001; 1000 Genomes Project 0.00020; 1000 Genomes Project 30x 0.00016.
gnomAD v4.1: 33 of 1,613,656 alleles (0.002%); highest among the groups gnomAD compares: Admixed American, 0.048%; no homozygotes.

Submissions (2):

Labcorp Genetics (formerly Invitae), Labcorp
Classification: Uncertain significance for Fructose-biphosphatase deficiency. Last evaluated: 2022-10-24. Review status: criteria provided, single submitter. Criteria: Invitae Variant Classification Sherloc (09022015). Collection method: clinical testing. Allele origin: germline.
Comment: This sequence change replaces arginine, which is basic and polar, with leucine, which is neutral and non-polar, at codon 255 of the FBP1 protein (p.Arg255Leu). This variant is present in population databases (rs28369761, gnomAD 0.06%). This missense change has been observed in individual(s) with clinical features of FBP1-related conditions (Invitae). ClinVar contains an entry for this variant (Variation ID: 912391). Advanced modeling of protein sequence and biophysical properties (such as structural, functional, and spatial information, amino acid conservation, physicochemical variation, residue mobility, and thermodynamic stability) performed at Invitae indicates that this missense variant is expected to disrupt FBP1 protein function. In summary, the available evidence is currently insufficient to determine the role of this variant in disease. Therefore, it has been classified as a Variant of Uncertain Significance.

Illumina Laboratory Services, Illumina
Classification: Uncertain significance for Fructose-biphosphatase deficiency. Last evaluated: 2018-01-12. Review status: criteria provided, single submitter. Criteria: ICSL Variant Classification Criteria 13 December 2019. Collection method: clinical testing. Allele origin: germline.

NM_000507.4(FBP1):c.764G>T (p.Arg255Leu)

Gene: FBP1 (fructose-bisphosphatase 1; minus strand). Cytogenetic location: 9q22.32.
Variant type: single nucleotide variant.
Coding change: c.764G>T on transcript NM_000507.4 (MANE Select); coding-DNA position 764, G replaced by T.
Protein change: p.Arg255Leu; replaces arginine 255 with leucine.
Molecular consequence: missense variant.
Genome position (GRCh38, 1-based): chr9:94,605,518, C>A on the plus strand (G>T on the coding strand, the complement: FBP1 is on the minus strand). VCF-style: chr9-94605518-C-A. GRCh37 (hg19) VCF-style: chr9-97367800-C-A.
Other names: c.764G>T, p.Arg255Leu (NM_001127628.2); short protein forms R255L.
Identifiers: ClinVar variation 912391 (VCV000912391.10), dbSNP rs28369761, ClinGen allele CA5136129.